The following is an entry in ClinVar:

NM_023915.4(GPR87):c.493G>A (p.Val165Ile)

Genes: GPR87 (G protein-coupled receptor 87; minus strand), MED12L (mediator complex subunit 12L; plus strand). Cytogenetic location: 3q25.1.
Variant type: single nucleotide variant.
Coding change: c.493G>A on transcript NM_023915.4 (MANE Select); coding-DNA position 493, G replaced by A.
Protein change: p.Val165Ile; replaces valine 165 with isoleucine.
Molecular consequence: missense variant. On other transcripts: intron variant (2).
Genome position (GRCh38, 1-based): chr3:151,294,753, C>T on the plus strand (G>A on the coding strand, the complement: GPR87 is on the minus strand). VCF-style: chr3-151294753-C-T. GRCh37 (hg19) VCF-style: chr3-151012541-C-T.
Other names: c.2251-55306C>T (NM_001393769.1); c.2146-55306C>T (NM_053002.6); short protein forms V165I.
Identifiers: ClinVar variation 2654231 (VCV002654231.24), dbSNP rs114483579, ClinGen allele CA2667402.

ClinVar aggregate classification (germline): Likely benign (1 of 4 stars; one submission).

Allele frequency attached by ClinVar (database versions not stated): 1000 Genomes Project 0.00140; 1000 Genomes Project 30x 0.00141; gnomAD 0.00227; TOPMed 0.00235; ExAC 0.00269; ESP Exome Variant Server 0.00308; gnomAD exomes 0.00409.
gnomAD v4.1: 6,339 of 1,614,134 alleles (0.39%); highest among the groups gnomAD compares: Non-Finnish European, 0.49%; 16 homozygotes.

Submission:

CeGaT Center for Human Genetics Tuebingen
Classification: Likely benign. Last evaluated: 2026-06-01. Review status: criteria provided, single submitter. Criteria: CeGaT Center For Human Genetics Tuebingen Variant Classification Criteria Version 2. Collection method: clinical testing. Allele origin: germline. Affected: yes. Observed: 6 variant alleles.
Comment: GPR87: BP4, BS2